The following is an entry in ClinVar:

NM_025132.4(WDR19):c.2351_2361del (p.Gln784fs)

Gene: WDR19 (WD repeat domain 19; plus strand). Cytogenetic location: 4p14.
Variant type: Deletion.
Coding change: c.2351_2361del on transcript NM_025132.4 (MANE Select); coding-DNA positions 2351 to 2361, 11 bases deleted (AGCTTGAATTC).
Protein change: p.Gln784fs; shifts the reading frame from glutamine 784.
Molecular consequence: frameshift variant.
Genome position (GRCh38, 1-based): chr4:39,234,863-39,234,873, AGCTTGAATTC deleted; deleting any 11 consecutive bases within chr4:39,234,859-39,234,873 gives the same sequence; the c. name uses the placement nearest the transcript's 3' end. VCF-style (leftmost placement, unchanged base first): chr4-39234858-TATTCAGCTTGA-T. GRCh37 (hg19) VCF-style: chr4-39236478-TATTCAGCTTGA-T.
Other names: c.1871_1881del, p.Gln624fs (NM_001317924.2); short protein forms Q624fs, Q784fs.
Identifiers: ClinVar variation 1068591 (VCV001068591.7), dbSNP rs2109377653, ClinGen allele CA2499217208.

ClinVar aggregate classification (germline): Pathogenic (1 of 4 stars; one submission).

Conditions:
Senior-Loken syndrome 8 (SLSN8). Identifiers: Orphanet 3156, MedGen C4225376, MONDO:0014579, OMIM 616307.
Asphyxiating thoracic dystrophy 5 (SRTD5). Also called: SHORT-RIB THORACIC DYSPLASIA 5 WITH OR WITHOUT POLYDACTYLY; SHORT-RIB THORACIC DYSPLASIA 5 WITHOUT POLYDACTYLY. Identifiers: Orphanet 474, MedGen C3280598, MONDO:0013717, OMIM 614376.

Submission:

Labcorp Genetics (formerly Invitae), Labcorp
Classification: Pathogenic for Senior-Loken syndrome 8; Asphyxiating thoracic dystrophy 5. Last evaluated: 2022-10-13. Review status: criteria provided, single submitter. Criteria: Invitae Variant Classification Sherloc (09022015). Collection method: clinical testing. Allele origin: germline.
Comment: For these reasons, this variant has been classified as Pathogenic. ClinVar contains an entry for this variant (Variation ID: 1068591). This variant has not been reported in the literature in individuals affected with WDR19-related conditions. This variant is not present in population databases (gnomAD no frequency). This sequence change creates a premature translational stop signal (p.Gln784Argfs*3) in the WDR19 gene. It is expected to result in an absent or disrupted protein product. Loss-of-function variants in WDR19 are known to be pathogenic (PMID: 22019273, 23559409, 23683095, 26275793, 27241786, 29068549).

Literature cited by the submitters: PubMed 22019273; PubMed 23559409; PubMed 23683095; PubMed 26275793; PubMed 27241786; PubMed 29068549.